The following is an entry in ClinVar:

NM_177438.3(DICER1):c.3784C>G (p.Pro1262Ala)

Gene: DICER1 (dicer 1, ribonuclease III; minus strand). Cytogenetic location: 14q32.13.
Variant type: single nucleotide variant.
Coding change: c.3784C>G on transcript NM_177438.3 (MANE Select); coding-DNA position 3784, C replaced by G.
Protein change: p.Pro1262Ala; replaces proline 1262 with alanine.
Molecular consequence: missense variant. On other transcripts: non-coding transcript variant (6).
Genome position (GRCh38, 1-based): chr14:95,103,612, G>C on the plus strand (C>G on the coding strand, the complement: DICER1 is on the minus strand). VCF-style: chr14-95103612-G-C. GRCh37 (hg19) VCF-style: chr14-95569949-G-C.
Other names: c.3784C>G, p.Pro1262Ala (NM_001195573.1, NM_001271282.3, NM_001291628.2 and 13 more transcripts); c.3502C>G, p.Pro1168Ala (NM_001395686.1); c.3379C>G, p.Pro1127Ala (NM_001395688.1, NM_001395689.1, NM_001395690.1 and 2 more transcripts); c.3217C>G, p.Pro1073Ala (NM_001395691.1); c.2101C>G, p.Pro701Ala (NM_001395697.1); short protein forms P1262A, P1127A, P1073A, P1168A, P701A.
Identifiers: ClinVar variation 1734871 (VCV001734871.6), dbSNP rs2139959684, ClinGen allele CA390873482.

ClinVar aggregate classification (germline): Uncertain significance. Review status: criteria provided, multiple submitters, no conflicts (2 of 4 stars). 2 submissions from 2 submitters: Uncertain significance (2). Last evaluated 2024-11-11.

Conditions:
Hereditary cancer-predisposing syndrome. Also called: Neoplastic Syndromes, Hereditary; Tumor predisposition; Hereditary Cancer Syndrome; Hereditary neoplastic syndrome. Identifiers: Orphanet 140162, MedGen C0027672, MeSH D009386, MONDO:0015356.
DICER1-related tumor predisposition. Also called: DICER1 syndrome; DICER1-related pleuropulmonary blastoma cancer predisposition syndrome. Identifiers: Orphanet 284343, MedGen C3839822, MONDO:0100216.

Allele frequency attached by ClinVar (database versions not stated): gnomAD exomes below 0.00001.
gnomAD v4.1: 1 of 1,614,150 alleles (0.000062%); highest among the groups gnomAD compares: African/African-American, 0.0013%; no homozygotes.

Submissions (2):

Labcorp Genetics (formerly Invitae), Labcorp
Classification: Uncertain significance for DICER1-related tumor predisposition. Last evaluated: 2024-11-11. Review status: criteria provided, single submitter. Criteria: Invitae Variant Classification Sherloc (09022015). Collection method: clinical testing. Allele origin: germline.
Comment: This sequence change replaces proline, which is neutral and non-polar, with alanine, which is neutral and non-polar, at codon 1262 of the DICER1 protein (p.Pro1262Ala). This variant is not present in population databases (gnomAD no frequency). This variant has not been reported in the literature in individuals affected with DICER1-related conditions. ClinVar contains an entry for this variant (Variation ID: 1734871). Invitae Evidence Modeling of protein sequence and biophysical properties (such as structural, functional, and spatial information, amino acid conservation, physicochemical variation, residue mobility, and thermodynamic stability) indicates that this missense variant is not expected to disrupt DICER1 protein function with a negative predictive value of 95%. In summary, the available evidence is currently insufficient to determine the role of this variant in disease. Therefore, it has been classified as a Variant of Uncertain Significance.

Ambry Genetics
Classification: Uncertain significance for Hereditary cancer-predisposing syndrome. Last evaluated: 2024-09-12. Review status: criteria provided, single submitter. Criteria: Ambry Variant Classification Scheme 2023. Collection method: clinical testing. Allele origin: germline.
Comment: The p.P1262A variant (also known as c.3784C>G), located in coding exon 20 of the DICER1 gene, results from a C to G substitution at nucleotide position 3784. The proline at codon 1262 is replaced by alanine, an amino acid with highly similar properties. This amino acid position is not well conserved in available vertebrate species. In addition, this alteration is predicted to be tolerated by in silico analysis. Since supporting evidence is limited at this time, the clinical significance of this alteration remains unclear.